The following is an entry in ClinVar:

ClinVar aggregate classification (germline): Conflicting classifications of pathogenicity. Review status: criteria provided, conflicting classifications (1 of 4 stars). 3 submissions from 3 submitters: Likely pathogenic (1); Uncertain significance (2). Last evaluated 2023-09-18.

Conditions:
Bethlem myopathy 1A. Also called: Bethlem Muscular Dystrophy; MYOPATHY, BENIGN CONGENITAL, WITH CONTRACTURES; Bethlem myopathy 1. Identifiers: Orphanet 610, MedGen CN029274, MONDO:0024530, OMIM 158810.

Submissions (3):

GeneDx
Classification: Likely pathogenic. Last evaluated: 2023-09-18. Review status: criteria provided, single submitter. Criteria: GeneDx Variant Classification Process June 2021. Collection method: clinical testing. Allele origin: germline. Affected: yes.
Comment: Reported heterozygous in two patients with clinically suspected limb-girdle muscular dystrophy, but detailed clinical information and familial segregation information were not provided (PMID: 30564623); Not observed at significant frequency in large population cohorts (gnomAD); In silico analysis supports that this missense variant has a deleterious effect on protein structure/function; This variant is associated with the following publications: (PMID: 30564623)

Labcorp Genetics (formerly Invitae), Labcorp
Classification: Uncertain significance for Bethlem myopathy 1A. Last evaluated: 2022-11-22. Review status: criteria provided, single submitter. Criteria: Invitae Variant Classification Sherloc (09022015). Collection method: clinical testing. Allele origin: germline.
Comment: Advanced modeling of protein sequence and biophysical properties (such as structural, functional, and spatial information, amino acid conservation, physicochemical variation, residue mobility, and thermodynamic stability) performed at Invitae indicates that this missense variant is not expected to disrupt COL6A2 protein function. In summary, the available evidence is currently insufficient to determine the role of this variant in disease. Therefore, it has been classified as a Variant of Uncertain Significance. ClinVar contains an entry for this variant (Variation ID: 285825). This missense change has been observed in individual(s) with clinical features of limb-girdle muscular dystrophy (PMID: 30564623). This variant is not present in population databases (gnomAD no frequency). This sequence change replaces methionine, which is neutral and non-polar, with threonine, which is neutral and polar, at codon 59 of the COL6A2 protein (p.Met59Thr).

Eurofins Ntd Llc (ga)
Classification: Uncertain significance. Last evaluated: 2017-11-07. Review status: criteria provided, single submitter. Criteria: EGL Classification Definitions 2015. Collection method: clinical testing. Allele origin: germline. Observed: 6 variant alleles, 6 heterozygotes.

Literature cited by the submitters: PubMed 30564623 (cited by Labcorp Genetics (formerly Invitae), Labcorp).

NM_001849.4(COL6A2):c.176T>C (p.Met59Thr)

Gene: COL6A2 (collagen type VI alpha 2 chain; plus strand). Cytogenetic location: 21q22.3.
Variant type: single nucleotide variant.
Coding change: c.176T>C on transcript NM_001849.4 (MANE Select); coding-DNA position 176, T replaced by C.
Protein change: p.Met59Thr; replaces methionine 59 with threonine.
Molecular consequence: missense variant.
Genome position (GRCh38, 1-based): chr21:46,112,039, T>C. VCF-style: chr21-46112039-T-C. GRCh37 (hg19) VCF-style: chr21-47531953-T-C.
Other names: c.176T>C, p.Met59Thr (NM_058174.3, NM_058175.3); c.176T>C (NM_001849.3); short protein forms M59T.
Identifiers: ClinVar variation 285825 (VCV000285825.14), dbSNP rs886043225, ClinGen allele CA10605263.